The following is an entry in ClinVar:

ClinVar aggregate classification (germline): Pathogenic (1 of 4 stars; one submission).

Conditions:
TH-deficient dopa-responsive dystonia. Also called: Tyrosine Hydroxylase-Deficient Dopa-Responsive Dystonia; Segawa syndrome, autosomal recessive; DYT-TH. Identifiers: Orphanet 101150, MedGen C2673535, MONDO:0011551, OMIM 605407.

Allele frequency attached by ClinVar (database versions not stated): gnomAD exomes below 0.00001.

Submission:

Labcorp Genetics (formerly Invitae), Labcorp
Classification: Pathogenic for TH-deficient dopa-responsive dystonia. Last evaluated: 2023-05-27. Review status: criteria provided, single submitter. Criteria: Invitae Variant Classification Sherloc (09022015). Collection method: clinical testing. Allele origin: germline.
Comment: This variant is not present in population databases (gnomAD no frequency). For these reasons, this variant has been classified as Pathogenic. This variant has not been reported in the literature in individuals affected with TH-related conditions. This sequence change creates a premature translational stop signal (p.Ser40Argfs*66) in the TH gene. It is expected to result in an absent or disrupted protein product. Loss-of-function variants in TH are known to be pathogenic (PMID: 22264700, 24753243).

Literature cited by the submitters: PubMed 22264700; PubMed 24753243.

NM_000360.4(TH):c.91-883dup

Gene: TH (tyrosine hydroxylase; minus strand). Cytogenetic location: 11p15.5.
Variant type: Duplication.
Coding change: c.91-883dup on transcript NM_000360.4 (MANE Select); 883 bases into the intron before coding-DNA position 91, one base duplicated (G; older notation c.91-883dupG).
Molecular consequence: intron variant. On other transcripts: frameshift variant (2).
Genome position (GRCh38, 1-based): chr11:2,170,754, C duplicated on the plus strand (G on the coding strand, the reverse complement: TH is on the minus strand). VCF-style (leftmost placement, unchanged base first): chr11-2170753-G-GC. GRCh37 (hg19) VCF-style: chr11-2191983-G-GC.
Other names: c.119dup, p.Ser40fs (NM_199292.3); c.107dup, p.Ser36fs (NM_199293.3); short protein forms S36fs, S40fs.
Identifiers: ClinVar variation 3009879 (VCV003009879.3), dbSNP rs2495836626, ClinGen allele CA2611981889.